The following is an entry in ClinVar:

ClinVar aggregate classification (germline): Uncertain significance (1 of 4 stars; one submission).

gnomAD v4.1: 2 of 1,613,432 alleles (0.00012%); highest among the groups gnomAD compares: African/African-American, 0.0013%; no homozygotes.

Submission:

GeneDx
Classification: Uncertain significance. Last evaluated: 2024-09-03. Review status: criteria provided, single submitter. Criteria: GeneDx Variant Classification Process June 2021. Collection method: clinical testing. Allele origin: germline. Affected: yes.
Comment: Not observed at significant frequency in large population cohorts (gnomAD); In silico analysis supports that this missense variant has a deleterious effect on protein structure/function; Has not been previously published as pathogenic or benign to our knowledge

NM_000108.5(DLD):c.983G>C (p.Gly328Ala)

Gene: DLD (dihydrolipoamide dehydrogenase; plus strand). Cytogenetic location: 7q31.1.
Variant type: single nucleotide variant.
Coding change: c.983G>C on transcript NM_000108.5 (MANE Select); coding-DNA position 983, G replaced by C.
Protein change: p.Gly328Ala; replaces glycine 328 with alanine.
Molecular consequence: missense variant.
Genome position (GRCh38, 1-based): chr7:107,916,901, G>C. VCF-style: chr7-107916901-G-C. GRCh37 (hg19) VCF-style: chr7-107557346-G-C.
Other names: c.686G>C, p.Gly229Ala (NM_001289750.1); c.914G>C, p.Gly305Ala (NM_001289751.1); c.839G>C, p.Gly280Ala (NM_001289752.1); short protein forms G229A, G280A, G305A, G328A.
Identifiers: ClinVar variation 3765894 (VCV003765894.1).